The following is an entry in ClinVar:

NM_018089.3(ANKZF1):c.1A>G (p.Met1Val)

Gene: ANKZF1 (ankyrin repeat and zinc finger peptidyl tRNA hydrolase 1; plus strand). Cytogenetic location: 2q35.
Variant type: single nucleotide variant.
Coding change: c.1A>G on transcript NM_018089.3 (MANE Select); coding-DNA position 1, A replaced by G.
Protein change: p.Met1Val; changes the start codon (methionine 1).
Molecular consequence: missense variant, initiator codon variant. On other transcripts: intron variant (1).
Genome position (GRCh38, 1-based): chr2:219,230,258, A>G. VCF-style: chr2-219230258-A-G. GRCh37 (hg19) VCF-style: chr2-220094980-A-G.
Other names: c.1A>G, p.Met1Val (NM_001042410.2); c.-267+358A>G (NM_001282792.2); short protein forms M1V.
Identifiers: ClinVar variation 3002952 (VCV003002952.3), dbSNP rs773173310, ClinGen allele CA65968890.

ClinVar aggregate classification (germline): Uncertain significance (1 of 4 stars; one submission).

Submission:

Labcorp Genetics (formerly Invitae), Labcorp
Classification: Uncertain significance. Last evaluated: 2025-10-09. Review status: criteria provided, single submitter. Criteria: Invitae Variant Classification Sherloc (09022015). Collection method: clinical testing. Allele origin: germline.
Comment: This sequence change affects the initiator codon of the ANKZF1 mRNA. This change may impact translation initiation or efficiency. The next in-frame methionine is located at codon 66. This variant is present in population databases (no rsID available, gnomAD 0.003%). This variant has not been reported in the literature in individuals affected with ANKZF1-related conditions. ClinVar contains an entry for this variant (Variation ID: 3002952). Experimental studies and prediction algorithms are not available or were not evaluated, and the functional significance of this variant is currently unknown. In summary, the available evidence is currently insufficient to determine the role of this variant in disease. Therefore, it has been classified as a Variant of Uncertain Significance.